The following is an entry in ClinVar:

NM_014855.3(AP5Z1):c.957C>T (p.Asp319=)

Gene: AP5Z1 (adaptor related protein complex 5 subunit zeta 1; plus strand). Cytogenetic location: 7p22.1.
Variant type: single nucleotide variant.
Coding change: c.957C>T on transcript NM_014855.3 (MANE Select); coding-DNA position 957, C replaced by T.
Protein change: p.Asp319=; no amino-acid change (aspartic acid 319 retained).
Molecular consequence: synonymous variant. On other transcripts: non-coding transcript variant (1).
Genome position (GRCh38, 1-based): chr7:4,785,440, C>T. VCF-style: chr7-4785440-C-T. GRCh37 (hg19) VCF-style: chr7-4825071-C-T.
Other names: c.489C>T, p.Asp163= (NM_001364858.1).
Identifiers: ClinVar variation 1879683 (VCV001879683.29), dbSNP rs761629585, ClinGen allele CA4137510.

ClinVar aggregate classification (germline): Likely benign (1 of 4 stars; one submission).

Allele frequency attached by ClinVar (database versions not stated): gnomAD 0.00001; gnomAD exomes 0.00001; TOPMed 0.00001; ExAC 0.00004.

Submission:

CeGaT Center for Human Genetics Tuebingen
Classification: Likely benign. Last evaluated: 2022-11-01. Review status: criteria provided, single submitter. Criteria: CeGaT Center For Human Genetics Tuebingen Variant Classification Criteria Version 2. Collection method: clinical testing. Allele origin: germline. Affected: yes. Observed: 1 variant allele.
Comment: AP5Z1: BP4, BP7